The following is an entry in ClinVar:

NM_001364857.2(ADGRB2):c.971C>T (p.Thr324Met)

Gene: ADGRB2 (adhesion G protein-coupled receptor B2; minus strand). Cytogenetic location: 1p35.2.
Variant type: single nucleotide variant.
Coding change: c.971C>T on transcript NM_001364857.2 (MANE Select); coding-DNA position 971, C replaced by T.
Protein change: p.Thr324Met; replaces threonine 324 with methionine.
Molecular consequence: missense variant.
Genome position (GRCh38, 1-based): chr1:31,744,309, G>A on the plus strand (C>T on the coding strand, the complement: ADGRB2 is on the minus strand). VCF-style: chr1-31744309-G-A. GRCh37 (hg19) VCF-style: chr1-32209910-G-A.
Other names: c.971C>T, p.Thr324Met (NM_001294335.2, NM_001294336.2); c.971C>T (NM_001703.2); short protein forms T324M.
Identifiers: ClinVar variation 1416187 (VCV001416187.7), dbSNP rs201728918, ClinGen allele CA736018.

ClinVar aggregate classification (germline): Uncertain significance. Review status: criteria provided, multiple submitters, no conflicts (2 of 4 stars). 2 submissions from 2 submitters: Uncertain significance (2). Last evaluated 2025-10-02.

Allele frequency attached by ClinVar (database versions not stated): ExAC 0.00005; gnomAD exomes 0.00010 and 0.00014; TOPMed 0.00013; gnomAD 0.00015 and 0.00017; 1000 Genomes Project 30x 0.00031; 1000 Genomes Project 0.00040.
gnomAD v4.1: 219 of 1,551,432 alleles (0.014%); highest among the groups gnomAD compares: East Asian, 0.12%; no homozygotes.

Submissions (2):

Labcorp Genetics (formerly Invitae), Labcorp
Classification: Uncertain significance. Last evaluated: 2025-10-02. Review status: criteria provided, single submitter. Criteria: Invitae Variant Classification Sherloc (09022015). Collection method: clinical testing. Allele origin: germline.
Comment: This sequence change replaces threonine, which is neutral and polar, with methionine, which is neutral and non-polar, at codon 324 of the ADGRB2 protein (p.Thr324Met). This variant is present in population databases (rs201728918, gnomAD 0.03%). This variant has not been reported in the literature in individuals affected with ADGRB2-related conditions. ClinVar contains an entry for this variant (Variation ID: 1416187). Experimental studies and prediction algorithms are not available or were not evaluated, and the functional significance of this variant is currently unknown. In summary, the available evidence is currently insufficient to determine the role of this variant in disease. Therefore, it has been classified as a Variant of Uncertain Significance.

Ambry Genetics
Classification: Uncertain significance. Last evaluated: 2024-07-27. Review status: criteria provided, single submitter. Criteria: Ambry Variant Classification Scheme 2023. Collection method: clinical testing. Allele origin: germline.